The following is an entry in ClinVar:

NM_014921.5(ADGRL1):c.3104C>T (p.Ser1035Phe)

Genes: ADGRL1 (adhesion G protein-coupled receptor L1; minus strand), ADGRL1-AS1 (ADGRL1 antisense RNA 1; plus strand). Cytogenetic location: 19p13.12.
Variant type: single nucleotide variant.
Coding change: c.3104C>T on transcript NM_014921.5 (MANE Select); coding-DNA position 3104, C replaced by T.
Protein change: p.Ser1035Phe; replaces serine 1035 with phenylalanine.
Molecular consequence: missense variant.
Genome position (GRCh38, 1-based): chr19:14,156,131, G>A on the plus strand (C>T on the coding strand, the complement: ADGRL1 is on the minus strand). VCF-style: chr19-14156131-G-A. GRCh37 (hg19) VCF-style: chr19-14266943-G-A.
Other names: c.3119C>T, p.Ser1040Phe (NM_001008701.3); short protein forms S1035F, S1040F.
Identifiers: ClinVar variation 4891391 (VCV004891391.2).

ClinVar aggregate classification (germline): Likely pathogenic (1 of 4 stars; one submission).

gnomAD v4.1: 2 of 1,612,512 alleles (0.00012%); highest among the groups gnomAD compares: Non-Finnish European, 0.00017%; no homozygotes.

Submission:

GeneDx
Classification: Likely pathogenic. Last evaluated: 2026-10-14. Review status: criteria provided, single submitter. Criteria: GeneDx Variant Classification Process June 2021. Collection method: clinical testing. Allele origin: germline.
Comment: Not observed at significant frequency in large population cohorts (gnomAD); In silico analysis supports that this missense variant has a deleterious effect on protein structure/function; Has not been previously published as pathogenic or benign to our knowledge